The following is an entry in ClinVar:

ClinVar aggregate classification (germline): Likely pathogenic. Review status: criteria provided, multiple submitters, no conflicts (2 of 4 stars). 5 submissions from 5 submitters: Likely pathogenic (4). 1 of the submissions does not count toward it. Last evaluated 2025-12-22.

Conditions:
TFAP2B-related disorder. Also called: TFAP2B-related condition.
Char syndrome (CHAR). Also called: PATENT DUCTUS ARTERIOSUS WITH FACIAL DYSMORPHISM AND ABNORMAL FIFTH DIGITS. Identifiers: Orphanet 46627, MedGen C1868570, MONDO:0008209, OMIM 169100.

Allele frequency attached by ClinVar (database versions not stated): TOPMed 0.00001.

Submissions (5):

3billion
Classification: Likely pathogenic for Char syndrome. Last evaluated: 2025-12-22. Review status: criteria provided, single submitter. Criteria: ACMG Guidelines, 2015. Collection method: clinical testing. Allele origin: germline. Affected: yes.
Comment: The variant is not observed in the gnomAD v4.1.0 dataset. Predicted Consequence/Location: Missense variant In silico tool predictions suggest damaging effect of the variant on gene or gene product [REVEL: 0.88 (>=0.6, sensitivity 0.68 and specificity 0.92); 3Cnet: 0.99 (> 0.75, sensitivity 0.96 and precision 0.92)]. The same nucleotide change resulting in the same amino acid change has been previously reported as pathogenic/likely pathogenic with strong evidence (ClinVar ID: VCV001326927). Different missense changes at the same codon (p.Arg236Cys, p.Arg236Ser) have been reported to be associated with TFAP2B-related disorder (ClinVar ID: VCV000008041, VCV000008042 /PMID: 11505339). Therefore, this variant is classified as Likely pathogenic according to the recommendation of ACMG/AMP guideline.

Clinical Genetics Laboratory, Region Ostergotland
Classification: Likely pathogenic for Char syndrome. Last evaluated: 2023-10-30. Review status: criteria provided, single submitter. Criteria: ACMG Guidelines, 2015. Collection method: clinical testing. Allele origin: germline. Affected: yes.
Comment: PM2, PP3(moderate), PM5

Greenwood Genetic Center Diagnostic Laboratories, Greenwood Genetic Center
Classification: Likely pathogenic for Char syndrome. Last evaluated: 2023-10-27. Review status: criteria provided, single submitter. Criteria: ACMG Guidelines, 2015. Collection method: clinical testing. Allele origin: germline. Affected: yes.
Comment: PS4_Supporting, PM2, PM5, PP3

Blueprint Genetics
Classification: Likely pathogenic for TFAP2B-related disorders. Last evaluated: 2022-04-18. Review status: criteria provided, single submitter. Criteria: ACMG Guidelines, 2015. Collection method: clinical testing. Allele origin: germline. Affected: yes. Observed: 1 variant allele.

Clinical Genetics Laboratory, University Hospital Schleswig-Holstein
Classification: Likely pathogenic for Char syndrome. Last evaluated: 2021-10-22. Review status: no assertion criteria provided. Collection method: clinical testing. Allele origin: germline. Affected: yes. Not counted in ClinVar's aggregate classification.

Literature cited by the submitters: PubMed 11505339 (cited by 3billion).

NM_003221.4(TFAP2B):c.707G>A (p.Arg236His)

Gene: TFAP2B (transcription factor AP-2 beta; plus strand). Cytogenetic location: 6p12.3.
Variant type: single nucleotide variant.
Coding change: c.707G>A on transcript NM_003221.4 (MANE Select); coding-DNA position 707, G replaced by A.
Protein change: p.Arg236His; replaces arginine 236 with histidine.
Molecular consequence: missense variant.
Genome position (GRCh38, 1-based): chr6:50,836,166, G>A. VCF-style: chr6-50836166-G-A. GRCh37 (hg19) VCF-style: chr6-50803879-G-A.
Other names: short protein forms R236H.
Identifiers: ClinVar variation 1326927 (VCV001326927.6), dbSNP rs1325125531, ClinGen allele CA364414876.